The following is an entry in ClinVar:

NM_032242.4(PLXNA1):c.836C>T (p.Thr279Met)

Gene: PLXNA1 (plexin A1; plus strand). Cytogenetic location: 3q21.3.
Variant type: single nucleotide variant.
Coding change: c.836C>T on transcript NM_032242.4 (MANE Select); coding-DNA position 836, C replaced by T.
Protein change: p.Thr279Met; replaces threonine 279 with methionine.
Molecular consequence: missense variant.
Genome position (GRCh38, 1-based): chr3:126,989,429, C>T. VCF-style: chr3-126989429-C-T. GRCh37 (hg19) VCF-style: chr3-126708272-C-T.
Other names: short protein forms T279M.
Identifiers: ClinVar variation 3357975 (VCV003357975.1).
Genomic context (GRCh38, chr3:126,989,429, plus strand): 5'-TCACGCTGCAGCTAGACACACAGCTGACCTCGCCTGATGCCGCCGGCGAGCACTTCTTCA[C>T]GTCCAAGATCGTGCGGCTCTGTGTGGACGACCCCAAATTCTACTCGTACGTTGAGTTCCC-3'
Protein context (NP_115618.3, residues 269-289): SPDAAGEHFF[Thr279Met]SKIVRLCVDD

ClinVar aggregate classification (germline): Uncertain significance (0 of 4 stars; one submission).

Conditions:
PLXNA1-related disorder. Also called: PLXNA1-related condition.

gnomAD v4.1: 18 of 1,613,488 alleles (0.0011%); highest among the groups gnomAD compares: East Asian, 0.024%; no homozygotes.

Submission:

PreventionGenetics, part of Exact Sciences
Classification: Uncertain significance for PLXNA1-related condition. Last evaluated: 2023-12-07. Review status: no assertion criteria provided. Collection method: clinical testing. Allele origin: germline.
Comment: The PLXNA1 c.836C>T variant is predicted to result in the amino acid substitution p.Thr279Met. To our knowledge, this variant has not been reported in the literature. This variant is reported in 0.016% of alleles in individuals of East Asian descent in gnomAD. At this time, the clinical significance of this variant is uncertain due to the absence of conclusive functional and genetic evidence.